The following is an entry in ClinVar:

ClinVar aggregate classification (germline): Uncertain significance (1 of 4 stars; one submission).

Allele frequency attached by ClinVar (database versions not stated): TOPMed below 0.00001; gnomAD 0.00002; ExAC 0.00003.
gnomAD v4.1: 17 of 1,614,036 alleles (0.0011%); highest among the groups gnomAD compares: South Asian, 0.019%; 1 homozygote.

Submission:

Labcorp Genetics (formerly Invitae), Labcorp
Classification: Uncertain significance. Last evaluated: 2022-02-20. Review status: criteria provided, single submitter. Criteria: Invitae Variant Classification Sherloc (09022015). Collection method: clinical testing. Allele origin: germline.
Comment: This sequence change replaces glycine, which is neutral and non-polar, with valine, which is neutral and non-polar, at codon 3936 of the LRP2 protein (p.Gly3936Val). This variant is present in population databases (rs777186937, gnomAD 0.01%). This variant has not been reported in the literature in individuals affected with LRP2-related conditions. Algorithms developed to predict the effect of missense changes on protein structure and function (SIFT, PolyPhen-2, Align-GVGD) all suggest that this variant is likely to be tolerated. In summary, the available evidence is currently insufficient to determine the role of this variant in disease. Therefore, it has been classified as a Variant of Uncertain Significance.

NM_004525.3(LRP2):c.11807G>T (p.Gly3936Val)

Gene: LRP2 (LDL receptor related protein 2; minus strand). Cytogenetic location: 2q31.1.
Variant type: single nucleotide variant.
Coding change: c.11807G>T on transcript NM_004525.3 (MANE Select); coding-DNA position 11807, G replaced by T.
Protein change: p.Gly3936Val; replaces glycine 3936 with valine.
Molecular consequence: missense variant.
Genome position (GRCh38, 1-based): chr2:169,162,552, C>A on the plus strand (G>T on the coding strand, the complement: LRP2 is on the minus strand). VCF-style: chr2-169162552-C-A. GRCh37 (hg19) VCF-style: chr2-170019062-C-A.
Other names: short protein forms G3936V.
Identifiers: ClinVar variation 1933274 (VCV001933274.2), dbSNP rs777186937, ClinGen allele CA1952958.